The following is an entry in ClinVar:

NM_001201407.2(ZNF778):c.1894C>T (p.Leu632Phe)

Gene: ZNF778 (zinc finger protein 778; plus strand). Cytogenetic location: 16q24.3.
Variant type: single nucleotide variant.
Coding change: c.1894C>T on transcript NM_001201407.2 (MANE Select); coding-DNA position 1894, C replaced by T.
Protein change: p.Leu632Phe; replaces leucine 632 with phenylalanine.
Molecular consequence: missense variant. On other transcripts: non-coding transcript variant (1).
Genome position (GRCh38, 1-based): chr16:89,228,182, C>T. VCF-style: chr16-89228182-C-T. GRCh37 (hg19) VCF-style: chr16-89294590-C-T.
Other names: c.1894C>T, p.Leu632Phe (NM_001378881.1); c.1810C>T, p.Leu604Phe (NM_182531.5); short protein forms L604F, L632F.
Identifiers: ClinVar variation 619121 (VCV000619121.4), dbSNP rs760873642, ClinGen allele CA8240520.
Genomic context (GRCh38, chr16:89,228,182, plus strand): 5'-ACTGGAGAGAAACCTTATGAATGTAAAGTATGCGGAAAGGCCTTCACCACATCCTCACAC[C>T]TTATCGTGCACATAAGAACCCACACCGGTGAGAAACCCTACATATGTAAGGAGTGTGGGA-3'
Protein context (NP_001188336.1, residues 622-642): CGKAFTTSSH[Leu632Phe]IVHIRTHTGE

ClinVar aggregate classification (germline): Uncertain significance. Review status: criteria provided, multiple submitters, no conflicts (2 of 4 stars). 2 submissions from 2 submitters: Uncertain significance (2). Last evaluated 2025-12-16.

Conditions:
Seizure. Also called: Seizures. Identifiers: MedGen C0036572, HP:0001250.
Obesity. Also called: Obesity disorder. Identifiers: Orphanet 71529, MedGen C0028754, MeSH D009765, MONDO:0011122, HP:0001513.
Microcephaly. Also called: Microcephaly (disease). Identifiers: MedGen C4551563, MONDO:0001149, HP:0000252.
Global developmental delay (DD). Also called: Cognitive delay. Identifiers: MedGen C0557874, HP:0001263. Disease mechanism: loss of function.

Allele frequency attached by ClinVar (database versions not stated): ExAC 0.00004; gnomAD exomes 0.00004.
gnomAD v4.1: 35 of 1,613,446 alleles (0.0022%); highest among the groups gnomAD compares: South Asian, 0.038%; 1 homozygote.

Submissions (2):

Ambry Genetics
Classification: Uncertain significance. Last evaluated: 2025-12-16. Review status: criteria provided, single submitter. Criteria: Ambry Variant Classification Scheme 2023. Collection method: clinical testing. Allele origin: germline.

Diagnostics Division, CENTRE FOR DNA FINGERPRINTING AND DIAGNOSTICS
Classification: Uncertain significance for Global developmental delay; Microcephaly; Obesity; Seizure. Review status: criteria provided, single submitter. Criteria: ACMG Guidelines, 2015. Collection method: research. Allele origin: germline. Inheritance: Autosomal recessive inheritance. Affected: yes. Observed: 1 homozygote.
Comment: Missense variant